The following is an entry in ClinVar:

ClinVar aggregate classification (germline): Uncertain significance (1 of 4 stars; one submission).

Conditions:
Cardiovascular phenotype. Identifiers: MedGen CN230736.

gnomAD v4.1: 2 of 1,614,110 alleles (0.00012%); highest among the groups gnomAD compares: African/African-American, 0.0013%; no homozygotes.

Submission:

Ambry Genetics
Classification: Uncertain significance for Cardiovascular phenotype. Last evaluated: 2022-11-04. Review status: criteria provided, single submitter. Criteria: Ambry Variant Classification Scheme 2023. Collection method: clinical testing. Allele origin: germline.
Comment: The p.H3007L variant (also known as c.9020A>T), located in coding exon 10 of the ALMS1 gene, results from an A to T substitution at nucleotide position 9020. The histidine at codon 3007 is replaced by leucine, an amino acid with similar properties. This amino acid position is poorly conserved in available vertebrate species. In addition, this alteration is predicted to be tolerated by in silico analysis. Since supporting evidence is limited at this time, the clinical significance of this alteration remains unclear.

NM_001378454.1(ALMS1):c.9017A>T (p.His3006Leu)

Gene: ALMS1 (ALMS1 centrosome and basal body associated protein; plus strand). Cytogenetic location: 2p13.1.
Variant type: single nucleotide variant.
Coding change: c.9017A>T on transcript NM_001378454.1 (MANE Select); coding-DNA position 9017, A replaced by T.
Protein change: p.His3006Leu; replaces histidine 3006 with leucine.
Molecular consequence: missense variant.
Genome position (GRCh38, 1-based): chr2:73,490,976, A>T. VCF-style: chr2-73490976-A-T. GRCh37 (hg19) VCF-style: chr2-73718103-A-T.
Other names: c.9020A>T, p.His3007Leu (NM_015120.4); short protein forms H3007L, H3006L.
Identifiers: ClinVar variation 2497333 (VCV002497333.2), dbSNP rs1298901693, ClinGen allele CA347272365.